The following is an entry in ClinVar:

NM_006662.3(SRCAP):c.8536G>A (p.Gly2846Arg)

Gene: SRCAP (Snf2 related CREBBP activator protein; plus strand). Cytogenetic location: 16p11.2.
Variant type: single nucleotide variant.
Coding change: c.8536G>A on transcript NM_006662.3 (MANE Select); coding-DNA position 8536, G replaced by A.
Protein change: p.Gly2846Arg; replaces glycine 2846 with arginine.
Molecular consequence: missense variant.
Genome position (GRCh38, 1-based): chr16:30,738,576, G>A. VCF-style: chr16-30738576-G-A. GRCh37 (hg19) VCF-style: chr16-30749897-G-A.
Other names: short protein forms G2846R.
Identifiers: ClinVar variation 4693311 (VCV004693311.1).
Genomic context (GRCh38, chr16:30,738,576, plus strand): 5'-ATTGCTCGCCGTCACATTGAGCTGGGGGTGACTGGTGGTGGCAGCCCCGAGAATGGAGAC[G>A]GAGCACTGCTCGCCATCACCCCACCTGCTGTGAAACGTCGGAGGGGGAGGCCCCCCAAGA-3'
Protein context (NP_006653.2, residues 2836-2856): TGGGSPENGD[Gly2846Arg]ALLAITPPAV

ClinVar aggregate classification (germline): Uncertain significance (1 of 4 stars; one submission).

gnomAD v4.1: 16 of 1,608,020 alleles (0.001%); highest among the groups gnomAD compares: African/African-American, 0.012%; no homozygotes.

Submission:

Labcorp Genetics (formerly Invitae), Labcorp
Classification: Uncertain significance. Last evaluated: 2025-11-20. Review status: criteria provided, single submitter. Criteria: Invitae Variant Classification Sherloc (09022015). Collection method: clinical testing. Allele origin: germline.
Comment: This sequence change replaces glycine, which is neutral and non-polar, with arginine, which is basic and polar, at codon 2846 of the SRCAP protein (p.Gly2846Arg). This variant is present in population databases (rs760986822, gnomAD 0.01%). This variant has not been reported in the literature in individuals affected with SRCAP-related conditions. Invitae Evidence Modeling of protein sequence and biophysical properties (such as structural, functional, and spatial information, amino acid conservation, physicochemical variation, residue mobility, and thermodynamic stability) indicates that this missense variant is not expected to disrupt SRCAP protein function with a negative predictive value of 80%. In summary, the available evidence is currently insufficient to determine the role of this variant in disease. Therefore, it has been classified as a Variant of Uncertain Significance.